The following is an entry in ClinVar:

NM_020366.4(RPGRIP1):c.3097G>C (p.Glu1033Gln)

Gene: RPGRIP1 (RPGR interacting protein 1; plus strand). Cytogenetic location: 14q11.2.
Variant type: single nucleotide variant.
Coding change: c.3097G>C on transcript NM_020366.4 (MANE Select); coding-DNA position 3097, G replaced by C.
Protein change: p.Glu1033Gln; replaces glutamic acid 1033 with glutamine.
Molecular consequence: missense variant.
Genome position (GRCh38, 1-based): chr14:21,328,625, G>C. VCF-style: chr14-21328625-G-C. GRCh37 (hg19) VCF-style: chr14-21796784-G-C.
Other names: c.1075G>C, p.Glu359Gln (NM_001377523.1, NM_001377950.1); c.2023G>C, p.Glu675Gln (NM_001377948.1); c.1183G>C, p.Glu395Gln (NM_001377949.1); c.577G>C, p.Glu193Gln (NM_001377951.1); short protein forms E1033Q, E193Q, E359Q, E395Q, E675Q.
Identifiers: ClinVar variation 261228 (VCV000261228.29), dbSNP rs3748361, ClinGen allele CA7089408.
Genomic context (GRCh38, chr14:21,328,625, plus strand): 5'-GTTCAAGGAAAGAATAGAATGGAGTATCTTAGCCTTAACATCTTAAATGGAAATACACCA[G>C]AGGTAAGACCTTAAAAACTCTGAAGCACTAAATTGTGGGTTGTAGTGTCCCCAGATGTAT-3'
Protein context (NP_065099.3, residues 1023-1043): SLNILNGNTP[Glu1033Gln]QVNYTEWKFS

ClinVar aggregate classification (germline): Benign/Likely benign. Review status: criteria provided, multiple submitters, no conflicts (2 of 4 stars). 13 submissions from 11 submitters: Benign (8); Likely benign (3). 2 of the submissions do not count toward it. Last evaluated 2026-02-04.

Conditions:
Leber congenital amaurosis 6 (LCA6). Identifiers: Orphanet 65, MedGen C1854260, MONDO:0013446, OMIM 613826.
Cone-rod dystrophy 13 (CORD13). Identifiers: Orphanet 1872, MedGen C2750720, MONDO:0011987, OMIM 608194.

Allele frequency attached by ClinVar (database versions not stated): TOPMed 0.24038; gnomAD 0.25511 and 0.26604; ESP Exome Variant Server 0.26376; 1000 Genomes Project 30x 0.28342; 1000 Genomes Project 0.29533; gnomAD exomes 0.33150; ExAC 0.33731.
gnomAD v4.1: 540,808 of 1,602,658 alleles (34%); highest among the groups gnomAD compares: South Asian, 48%; 97,013 homozygotes.

Submissions (13):

Labcorp Genetics (formerly Invitae), Labcorp
Classification: Benign for Leber congenital amaurosis 6; Cone-rod dystrophy 13. Last evaluated: 2026-02-04. Review status: criteria provided, single submitter. Criteria: Invitae Variant Classification Sherloc (09022015). Collection method: clinical testing. Allele origin: germline.

Blueprint Genetics
Classification: Likely benign. Last evaluated: 2024-11-28. Review status: criteria provided, single submitter. Criteria: ACMG Guidelines, 2015. Collection method: clinical testing. Allele origin: germline.

Women's Health and Genetics/Laboratory Corporation of America, LabCorp
Classification: Likely benign. Last evaluated: 2021-12-03. Review status: criteria provided, single submitter. Criteria: LabCorp Variant Classification Summary - May 2015. Collection method: clinical testing. Allele origin: germline.

Genome-Nilou Lab
Classification: Benign for Leber congenital amaurosis 6. Last evaluated: 2021-11-07. Review status: criteria provided, single submitter. Criteria: ACMG Guidelines, 2015. Collection method: clinical testing. Allele origin: germline. Affected: no.

Genome-Nilou Lab
Classification: Benign for Cone-rod dystrophy 13. Last evaluated: 2021-11-07. Review status: criteria provided, single submitter. Criteria: ACMG Guidelines, 2015. Collection method: clinical testing. Allele origin: germline. Affected: no.

GeneDx
Classification: Benign. Last evaluated: 2018-12-17. Review status: criteria provided, single submitter. Criteria: GeneDx Variant Classification Process June 2021. Collection method: clinical testing. Allele origin: germline. Affected: yes.
Comment: This variant is associated with the following publications: (PMID: 21857984, 16123401, 20079931)

Illumina Laboratory Services, Illumina
Classification: Benign for Leber congenital amaurosis 6. Last evaluated: 2018-01-13. Review status: criteria provided, single submitter. Criteria: ICSL Variant Classification Criteria 13 December 2019. Collection method: clinical testing. Allele origin: germline.
Comment: This variant was observed in the ICSL laboratory as part of a predisposition screen in an ostensibly healthy population. It had not been previously curated by ICSL or reported in the Human Gene Mutation Database (HGMD: prior to June 1st, 2018), and was therefore a candidate for classification through an automated scoring system. Utilizing variant allele frequency, disease prevalence and penetrance estimates, and inheritance mode, an automated score was calculated to assess if this variant is too frequent to cause the disease. Based on the score and internal cut-off values, a variant classified as benign is not then subjected to further curation. The score for this variant resulted in a classification of benign for this disease.

Illumina Laboratory Services, Illumina
Classification: Benign for Cone-rod dystrophy 13. Last evaluated: 2018-01-13. Review status: criteria provided, single submitter. Criteria: ICSL Variant Classification Criteria 13 December 2019. Collection method: clinical testing. Allele origin: germline.
Comment: the same text as in the submission from Illumina Laboratory Services, Illumina above.

Eurofins Ntd Llc (ga)
Classification: Benign. Last evaluated: 2016-10-03. Review status: criteria provided, single submitter. Criteria: EGL Classification Definitions 2015. Collection method: clinical testing. Allele origin: germline. Observed: 4 variant alleles, 3 heterozygotes.

Breakthrough Genomics
Classification: Likely benign. Review status: criteria provided, single submitter. Criteria: ACMG Guidelines, 2015. Collection method: not provided. Allele origin: germline. Inheritance: Autosomal recessive inheritance. Affected: yes.

PreventionGenetics, part of Exact Sciences
Classification: Benign. Review status: criteria provided, single submitter. Criteria: ACMG Guidelines, 2015. Collection method: clinical testing. Allele origin: germline.

Clinical Genetics DNA and cytogenetics Diagnostics Lab, Erasmus MC, Erasmus Medical Center
Classification: Benign. Review status: no assertion criteria provided. Collection method: clinical testing. Allele origin: germline. Affected: yes. Study: VKGL Data-share Consensus. Not counted in ClinVar's aggregate classification.

Diagnostic Laboratory, Department of Genetics, University Medical Center Groningen
Classification: Benign. Review status: no assertion criteria provided. Collection method: clinical testing. Allele origin: germline. Affected: yes. Study: VKGL Data-share Consensus. Not counted in ClinVar's aggregate classification.